The following is an entry in ClinVar:

NM_004281.4(BAG3):c.1679C>G (p.Ser560Ter)

Gene: BAG3 (BAG cochaperone 3; plus strand). Cytogenetic location: 10q26.11.
Variant type: single nucleotide variant.
Coding change: c.1679C>G on transcript NM_004281.4 (MANE Select); coding-DNA position 1679, C replaced by G.
Protein change: p.Ser560Ter; replaces serine 560 with a stop codon.
Molecular consequence: nonsense.
Genome position (GRCh38, 1-based): chr10:119,677,233, C>G. VCF-style: chr10-119677233-C-G. GRCh37 (hg19) VCF-style: chr10-121436745-C-G.
Other names: short protein forms S560*.
Identifiers: ClinVar variation 2924946 (VCV002924946.3), dbSNP rs2494024940, ClinGen allele CA378297838.

ClinVar aggregate classification (germline): Uncertain significance (1 of 4 stars; one submission).

Conditions:
Myofibrillar myopathy 6. Identifiers: Orphanet 199340, MedGen C2751831, MONDO:0013061, OMIM 612954.
Dilated cardiomyopathy 1HH (CMD1HH). Identifiers: Orphanet 154, MedGen C3151293, MONDO:0013479, OMIM 613881.

Submission:

Labcorp Genetics (formerly Invitae), Labcorp
Classification: Uncertain significance for Dilated cardiomyopathy 1HH; Myofibrillar myopathy 6. Last evaluated: 2025-03-30. Review status: criteria provided, single submitter. Criteria: Invitae Variant Classification Sherloc (09022015). Collection method: clinical testing. Allele origin: germline.
Comment: This sequence change creates a premature translational stop signal (p.Ser560*) in the BAG3 gene. While this is not anticipated to result in nonsense mediated decay, it is expected to disrupt the last 16 amino acid(s) of the BAG3 protein. This variant is not present in population databases (gnomAD no frequency). This variant has not been reported in the literature in individuals affected with BAG3-related conditions. ClinVar contains an entry for this variant (Variation ID: 2924946). In summary, the available evidence is currently insufficient to determine the role of this variant in disease. Therefore, it has been classified as a Variant of Uncertain Significance.